The following is an entry in ClinVar:

ClinVar aggregate classification (germline): Pathogenic (1 of 4 stars; one submission).

Conditions:
Tuberous sclerosis 2 (TSC2). Identifiers: Orphanet 805, MedGen C1860707, MONDO:0013199, OMIM 613254.

Submission:

Labcorp Genetics (formerly Invitae), Labcorp
Classification: Pathogenic for Tuberous sclerosis 2. Last evaluated: 2023-06-23. Review status: criteria provided, single submitter. Criteria: Invitae Variant Classification Sherloc (09022015). Collection method: clinical testing. Allele origin: germline.
Comment: This variant has not been reported in the literature in individuals affected with TSC2-related conditions. This sequence change creates a premature translational stop signal (p.Ser1539*) in the TSC2 gene. It is expected to result in an absent or disrupted protein product. Loss-of-function variants in TSC2 are known to be pathogenic (PMID: 10205261, 17304050). This variant is not present in population databases (gnomAD no frequency). For these reasons, this variant has been classified as Pathogenic.

Literature cited by the submitters: PubMed 10205261; PubMed 17304050.

NM_000548.5(TSC2):c.4616C>A (p.Ser1539Ter)

Gene: TSC2 (TSC complex subunit 2; plus strand). Cytogenetic location: 16p13.3.
Variant type: single nucleotide variant.
Coding change: c.4616C>A on transcript NM_000548.5 (MANE Select); coding-DNA position 4616, C replaced by A.
Protein change: p.Ser1539Ter; replaces serine 1539 with a stop codon.
Molecular consequence: nonsense. On other transcripts: non-coding transcript variant (5).
Genome position (GRCh38, 1-based): chr16:2,085,276, C>A. VCF-style: chr16-2085276-C-A. GRCh37 (hg19) VCF-style: chr16-2135277-C-A.
Other names: c.4403C>A, p.Ser1468Ter (NM_001406673.1); c.4400C>A, p.Ser1467Ter (NM_001406675.1); c.4487C>A, p.Ser1496Ter (NM_001370405.1, NM_021055.3); c.4613C>A, p.Ser1538Ter (NM_001406663.1); c.4544C>A, p.Ser1515Ter (NM_001406664.1); c.4538C>A, p.Ser1513Ter (NM_001406665.1); c.4508C>A, p.Ser1503Ter (NM_001406667.1); c.4505C>A, p.Ser1502Ter (NM_001406668.1); and 26 more; short protein forms S1025*, S1273*, S1316*, S1436*, S1466*, S1469*, S1483*, S1496*.
Identifiers: ClinVar variation 2725064 (VCV002725064.3), dbSNP rs2151551960, ClinGen allele CA394304747.
Genomic context (GRCh38, chr16:2,085,276, plus strand): 5'-TCTGTGTGCCACAGTCACAGTCCTTTGAGCGGTCGGTGCAGCTCCTCGACCAGATCCCAT[C>A]ATACGACACCCACAAGATCGCCGTCCTGTATGTTGGAGAAGGCCAGGTGAGGCTGCGGGG-3'